The following is an entry in ClinVar:

NM_005090.4(JMJD7-PLA2G4B):c.1573-9_1573-7del

Genes: JMJD7-PLA2G4B (JMJD7-PLA2G4B readthrough; plus strand), PLA2G4B (phospholipase A2 group IVB; plus strand). Cytogenetic location: 15q15.1.
Variant type: Microsatellite.
Coding change: c.1573-9_1573-7del on transcript NM_005090.4; 9 bases into the intron before coding-DNA position 1573 through 7 bases into the intron before coding-DNA position 1573, 3 bases deleted (CTT; older notation c.1573-9_1573-7delCTT).
Molecular consequence: intron variant.
Genome position (GRCh38, 1-based): chr15:41,844,462-41,844,464, CTT deleted; deleting any 3 consecutive bases within chr15:41,844,458-41,844,464 gives the same sequence; the c. name uses the placement nearest the transcript's 3' end. VCF-style (leftmost placement, unchanged base first): chr15-41844457-CTCT-C. GRCh37 (hg19) VCF-style: chr15-42136655-CTCT-C.
Other names: NC_000015.9:g.42136660_42136662del; c.1573-9_1573-7del (NM_001198588.2); c.880-9_880-7del (NM_001114633.2).
Identifiers: ClinVar variation 3049805 (VCV003049805.3), dbSNP rs145236773, ClinGen allele CA7499858.
Genomic context (GRCh38, chr15:41,844,457, plus strand): 5'-GCTACCTCTTCTTCCTGTGACTTGGCCTTCCCCATCCCTAGGGCCTCTACAGGCCTGGCT[CTCT>C]TCTTTTCCAGATCCCAGTGGTAGCTATTATGGCCACTGGTGGTGGGATCCGGGCAATGAC-3'

ClinVar aggregate classification (germline): Benign (0 of 4 stars; one submission).

Conditions:
JMJD7-PLA2G4B-related disorder. Also called: JMJD7-PLA2G4B-related condition.

Submissions (5):

PreventionGenetics, part of Exact Sciences
Classification: Benign for JMJD7-PLA2G4B-related condition. Last evaluated: 2019-02-22. Review status: no assertion criteria provided. Collection method: clinical testing. Allele origin: germline.
Comment: This variant is classified as benign based on ACMG/AMP sequence variant interpretation guidelines (Richards et al. 2015 PMID: 25741868, with internal and published modifications).

Dr. Peter K. Rogan Lab, Western University
No classification provided (evidence only). Condition: Colon adenocarcinoma. Review status: no classification provided. Collection method: in vitro. Allele origin: not applicable. Functional consequence: retained intron. Not counted in ClinVar's aggregate classification.

Dr. Peter K. Rogan Lab, Western University
No classification provided (evidence only). Condition: Melanoma. Review status: no classification provided. Collection method: in vitro. Allele origin: not applicable. Functional consequence: retained intron. Not counted in ClinVar's aggregate classification.

Dr. Peter K. Rogan Lab, Western University
No classification provided (evidence only). Condition: Malignant tumor of esophagus. Review status: no classification provided. Collection method: in vitro. Allele origin: not applicable. Functional consequence: retained intron. Not counted in ClinVar's aggregate classification.

Dr. Peter K. Rogan Lab, Western University
No classification provided (evidence only). Condition: Malignant tumor of esophagus. Review status: no classification provided. Collection method: in vitro. Allele origin: not applicable. Functional consequence: retained intron. Not counted in ClinVar's aggregate classification.